The following is an entry in ClinVar:

NM_006231.4(POLE):c.1106+8T>C

Gene: POLE (DNA polymerase epsilon, catalytic subunit; minus strand). Cytogenetic location: 12q24.33.
Variant type: single nucleotide variant.
Coding change: c.1106+8T>C on transcript NM_006231.4 (MANE Select); 8 bases into the intron after coding-DNA position 1106, T replaced by C.
Molecular consequence: intron variant.
Genome position (GRCh38, 1-based): chr12:132,675,727, A>G on the plus strand (T>C on the coding strand, the complement: POLE is on the minus strand). VCF-style: chr12-132675727-A-G. GRCh37 (hg19) VCF-style: chr12-133252313-A-G.
Identifiers: ClinVar variation 2815770 (VCV002815770.4), dbSNP rs2043033714, ClinGen allele CA2727554107.

ClinVar aggregate classification (germline): Likely benign. Review status: criteria provided, multiple submitters, no conflicts (2 of 4 stars). 2 submissions from 2 submitters: Likely benign (2). Last evaluated 2025-02-10.

Conditions:
Colorectal cancer, susceptibility to, 12 (CRCS12). Also called: COLORECTAL CANCER, SUSCEPTIBILITY TO, ON CHROMOSOME 12q24. Identifiers: Orphanet 220460, MedGen C3554460, MONDO:0014038, OMIM 615083.

Submissions (2):

Myriad Genetics, Inc.
Classification: Likely benign for Colorectal cancer, susceptibility to, 12. Last evaluated: 2025-02-10. Review status: criteria provided, single submitter. Criteria: Myriad Autosomal Dominant, Autosomal Recessive and X-Linked Classification Criteria (2023). Collection method: clinical testing. Allele origin: unknown.
Comment: This variant is considered likely benign. This variant is intronic and is not expected to impact mRNA splicing.

Labcorp Genetics (formerly Invitae), Labcorp
Classification: Likely benign. Last evaluated: 2022-11-23. Review status: criteria provided, single submitter. Criteria: Invitae Variant Classification Sherloc (09022015). Collection method: clinical testing. Allele origin: germline.